The following is an entry in ClinVar:

ClinVar aggregate classification (germline): Pathogenic (1 of 4 stars; one submission).

Conditions:
Vissers-Bodmer syndrome. Identifiers: MedGen C5436647, MONDO:0033618, OMIM 619033.
Holoprosencephaly 12 with or without pancreatic agenesis. Identifiers: MedGen C5193131, MONDO:0032787, OMIM 618500.

Submission:

Juno Genomics, Hangzhou Juno Genomics, Inc
Classification: Pathogenic for Holoprosencephaly 12 with or without pancreatic agenesis; Vissers-Bodmer syndrome. Review status: criteria provided, single submitter. Criteria: ACMG Guidelines, 2015. Collection method: clinical testing. Allele origin: germline. Affected: yes.
Comment: Absent from controls (or at extremely low frequency if recessive) in Genome Aggregation Database, Exome Sequencing Project, 1000 Genomes Project, or Exome Aggregation Consortium.;Null variant in a gene where loss of function (LOF) is a known mechanism of disease.;De novo (both maternity and paternity confirmed) in a patient with the disease and no family history.

NM_016284.5(CNOT1):c.371_372dup (p.Gln125fs)

Gene: CNOT1 (CCR4-NOT transcription complex subunit 1; minus strand). Cytogenetic location: 16q21.
Variant type: Duplication.
Coding change: c.371_372dup on transcript NM_016284.5 (MANE Select); coding-DNA positions 371 to 372, 2 bases duplicated (TA; older notation c.371_372dupTA).
Protein change: p.Gln125fs; shifts the reading frame from glutamine 125.
Molecular consequence: frameshift variant. On other transcripts: non-coding transcript variant (1).
Genome position (GRCh38, 1-based): chr16:58,587,351-58,587,352, TA duplicated on the plus strand (TA on the coding strand, the reverse complement: CNOT1 is on the minus strand). VCF-style (leftmost placement, unchanged base first): chr16-58587350-G-GTA. GRCh37 (hg19) VCF-style: chr16-58621254-G-GTA.
Other names: c.371_372dup, p.Gln125fs (NM_001265612.2, NM_206999.3); short protein forms Q125fs.
Identifiers: ClinVar variation 3382694 (VCV003382694.2).